The following is an entry in ClinVar:

ClinVar aggregate classification (germline): Pathogenic (1 of 4 stars; one submission).

Submission:

Labcorp Genetics (formerly Invitae), Labcorp
Classification: Pathogenic. Last evaluated: 2024-07-13. Review status: criteria provided, single submitter. Criteria: Invitae Variant Classification Sherloc (09022015). Collection method: clinical testing. Allele origin: germline.
Comment: This sequence change creates a premature translational stop signal (p.Glu74*) in the LHCGR gene. It is expected to result in an absent or disrupted protein product. Loss-of-function variants in LHCGR are known to be pathogenic (PMID: 25383892, 27016457). This variant is not present in population databases (gnomAD no frequency). This variant has not been reported in the literature in individuals affected with LHCGR-related conditions. Algorithms developed to predict the effect of sequence changes on RNA splicing suggest that this variant may disrupt the consensus splice site. For these reasons, this variant has been classified as Pathogenic.

Literature cited by the submitters: PubMed 25383892; PubMed 27016457.

NM_000233.4(LHCGR):c.220G>T (p.Glu74Ter)

Genes: LHCGR (luteinizing hormone/choriogonadotropin receptor; minus strand), STON1-GTF2A1L (STON1-GTF2A1L readthrough; plus strand). Cytogenetic location: 2p16.3.
Variant type: single nucleotide variant.
Coding change: c.220G>T on transcript NM_000233.4 (MANE Select); coding-DNA position 220, G replaced by T.
Protein change: p.Glu74Ter; replaces glutamic acid 74 with a stop codon.
Molecular consequence: nonsense. On other transcripts: intron variant (1).
Genome position (GRCh38, 1-based): chr2:48,731,240, C>A on the plus strand (G>T on the coding strand, the complement: LHCGR is on the minus strand). VCF-style: chr2-48731240-C-A. GRCh37 (hg19) VCF-style: chr2-48958379-C-A.
Other names: c.3442-45040C>A (NM_001198593.2); short protein forms E74*.
Identifiers: ClinVar variation 3656021 (VCV003656021.2).